The following is an entry in ClinVar:

ClinVar aggregate classification (germline): Benign/Likely benign. Review status: criteria provided, multiple submitters, no conflicts (2 of 4 stars). 3 submissions from 3 submitters: Benign (1); Likely benign (2). Last evaluated 2024-10-14.

Conditions:
Hereditary cancer-predisposing syndrome. Also called: Neoplastic Syndromes, Hereditary; Hereditary neoplastic syndrome; Tumor predisposition; Hereditary Cancer Syndrome. Identifiers: Orphanet 140162, MedGen C0027672, MeSH D009386, MONDO:0015356.
Hereditary diffuse gastric adenocarcinoma (HDGC). Also called: DIFFUSE GASTRIC AND LOBULAR BREAST CANCER SYNDROME. Identifiers: Orphanet 26106, MedGen C1708349, MONDO:0007648, OMIM 137215.

gnomAD v4.1: 3 of 1,574,558 alleles (0.00019%); highest among the groups gnomAD compares: Admixed American, 0.0019%; no homozygotes.

Submissions (3):

Myriad Genetics, Inc.
Classification: Benign for Hereditary diffuse gastric adenocarcinoma. Last evaluated: 2024-10-14. Review status: criteria provided, single submitter. Criteria: Myriad Autosomal Dominant, Autosomal Recessive and X-Linked Classification Criteria (2023). Collection method: clinical testing. Allele origin: unknown.
Comment: This variant is considered benign. This variant is a silent/synonymous amino acid change and it is not expected to impact splicing.

Labcorp Genetics (formerly Invitae), Labcorp
Classification: Likely benign. Last evaluated: 2023-08-09. Review status: criteria provided, single submitter. Criteria: Invitae Variant Classification Sherloc (09022015). Collection method: clinical testing. Allele origin: germline.

Ambry Genetics
Classification: Likely benign for Hereditary cancer-predisposing syndrome. Last evaluated: 2021-03-03. Review status: criteria provided, single submitter. Criteria: Ambry Variant Classification Scheme 2023. Collection method: clinical testing. Allele origin: germline.

NM_001903.5(CTNNA1):c.1737C>T (p.Leu579=)

Gene: CTNNA1 (catenin alpha 1; plus strand). Cytogenetic location: 5q31.2.
Variant type: single nucleotide variant.
Coding change: c.1737C>T on transcript NM_001903.5 (MANE Select); coding-DNA position 1737, C replaced by T.
Protein change: p.Leu579=; no amino-acid change (leucine 579 retained).
Molecular consequence: synonymous variant.
Genome position (GRCh38, 1-based): chr5:138,924,700, C>T. VCF-style: chr5-138924700-C-T. GRCh37 (hg19) VCF-style: chr5-138260389-C-T.
Other names: c.1737C>T, p.Leu579= (NM_001290307.3, NM_001323982.2, NM_001323983.1 and 2 more transcripts); c.1428C>T, p.Leu476= (NM_001290309.3); c.1368C>T, p.Leu456= (NM_001290310.3); c.627C>T, p.Leu209= (NM_001290312.1, NM_001323987.1, NM_001323988.1 and 17 more transcripts); c.1644C>T, p.Leu548= (NM_001323986.2); c.288C>T, p.Leu96= (NM_001324006.1, NM_001324007.1, NM_001324008.1 and 2 more transcripts); c.534C>T, p.Leu178= (NM_001324011.1); c.384C>T, p.Leu128= (NM_001324012.1, NM_001324013.1).
Identifiers: ClinVar variation 1619426 (VCV001619426.11), dbSNP rs1200227847, ClinGen allele CA446597140.